The following is an entry in ClinVar:

NM_001353345.2(SETD1B):c.2590G>A (p.Val864Ile)

Gene: SETD1B (SET domain containing 1B, histone lysine methyltransferase; plus strand). Cytogenetic location: 12q24.31.
Variant type: single nucleotide variant.
Coding change: c.2590G>A on transcript NM_001353345.2 (MANE Select); coding-DNA position 2590, G replaced by A.
Protein change: p.Val864Ile; replaces valine 864 with isoleucine.
Molecular consequence: missense variant.
Genome position (GRCh38, 1-based): chr12:121,814,805, G>A. VCF-style: chr12-121814805-G-A. GRCh37 (hg19) VCF-style: chr12-122252711-G-A.
Other names: short protein forms V864I.
Identifiers: ClinVar variation 2577785 (VCV002577785.1), dbSNP rs375346428, ClinGen allele CA244641694.
Genomic context (GRCh38, chr12:121,814,805, plus strand): 5'-GTGCCTCCACCAGGCTACATGCCACGCCAGGAGGACCCACACAAAGCCACGGTGGATGGC[G>A]TCCTGCTGGTGGTCCTCAAAGAACTCAAGGCCATCATGAAGCGTGACCTGAACCGCAAGA-3'
Protein context (NP_001340274.1, residues 854-874): EDPHKATVDG[Val864Ile]LLVVLKELKA

ClinVar aggregate classification (germline): Uncertain significance (1 of 4 stars; one submission).

Allele frequency attached by ClinVar (database versions not stated): ESP Exome Variant Server 0.00022; gnomAD exomes below 0.00001.
gnomAD v4.1: 4 of 1,551,604 alleles (0.00026%); highest among the groups gnomAD compares: South Asian, 0.0012%; no homozygotes.

Submission:

GeneDx
Classification: Uncertain significance. Last evaluated: 2023-02-23. Review status: criteria provided, single submitter. Criteria: GeneDx Variant Classification Process June 2021. Collection method: clinical testing. Allele origin: germline. Affected: yes.
Comment: Not observed at significant frequency in large population cohorts (gnomAD); In silico analysis supports that this missense variant does not alter protein structure/function; Has not been previously published as pathogenic or benign to our knowledge